The following is an entry in ClinVar:

ClinVar aggregate classification (germline): Uncertain significance. Review status: criteria provided, multiple submitters, no conflicts (2 of 4 stars). 2 submissions from 2 submitters: Uncertain significance (2). Last evaluated 2025-10-26.

Conditions:
Polyhydramnios, megalencephaly, and symptomatic epilepsy (PMSE). Also called: PMSE SYNDROME. Identifiers: Orphanet 500533, MedGen C1970203, MONDO:0012611, OMIM 611087.

Allele frequency attached by ClinVar (database versions not stated): gnomAD exomes 0.00003; TOPMed 0.00003; ExAC 0.00004; gnomAD 0.00005 and 0.00006.

Submissions (2):

Labcorp Genetics (formerly Invitae), Labcorp
Classification: Uncertain significance for Polyhydramnios, megalencephaly, and symptomatic epilepsy. Last evaluated: 2025-10-26. Review status: criteria provided, single submitter. Criteria: Invitae Variant Classification Sherloc (09022015). Collection method: clinical testing. Allele origin: germline.
Comment: This sequence change replaces arginine, which is basic and polar, with glutamine, which is neutral and polar, at codon 384 of the STRADA protein (p.Arg384Gln). This variant is present in population databases (rs781267357, gnomAD 0.004%). This variant has not been reported in the literature in individuals affected with STRADA-related conditions. ClinVar contains an entry for this variant (Variation ID: 1036468). An algorithm developed to predict the effect of missense changes on protein structure and function (PolyPhen-2) suggests that this variant is likely to be tolerated. In summary, the available evidence is currently insufficient to determine the role of this variant in disease. Therefore, it has been classified as a Variant of Uncertain Significance.

Blueprint Genetics
Classification: Uncertain significance. Last evaluated: 2024-02-28. Review status: criteria provided, single submitter. Criteria: ACMG Guidelines, 2015. Collection method: clinical testing. Allele origin: germline.

NM_001003787.4(STRADA):c.1151G>A (p.Arg384Gln)

Gene: STRADA (STE20 related adaptor alpha; minus strand). Cytogenetic location: 17q23.3.
Variant type: single nucleotide variant.
Coding change: c.1151G>A on transcript NM_001003787.4 (MANE Select); coding-DNA position 1151, G replaced by A.
Protein change: p.Arg384Gln; replaces arginine 384 with glutamine.
Molecular consequence: missense variant. On other transcripts: 3 prime UTR variant (6), synonymous variant (1), non-coding transcript variant (1).
Genome position (GRCh38, 1-based): chr17:63,703,744, C>T on the plus strand (G>A on the coding strand, the complement: STRADA is on the minus strand). VCF-style: chr17-63703744-C-T. GRCh37 (hg19) VCF-style: chr17-61781104-C-T.
Other names: c.1040G>A, p.Arg347Gln (NM_001003786.3); c.977G>A, p.Arg326Gln (NM_001003788.3); c.*28G>A (NM_001165969.2, NM_001165970.2, NM_001363788.1 and 2 more transcripts); c.1127G>A, p.Arg376Gln (NM_001363786.1); c.1064G>A, p.Arg355Gln (NM_001363787.1); c.843G>A, p.Ala281= (NM_001363790.1); c.*539G>A (NM_153335.6); short protein forms R384Q, R347Q, R355Q, R376Q, R326Q.
Identifiers: ClinVar variation 1036468 (VCV001036468.7), dbSNP rs781267357, ClinGen allele CA8703074.